The following is an entry in ClinVar:

ClinVar aggregate classification (germline): Uncertain significance (1 of 4 stars; one submission).

Conditions:
Hypertrophic cardiomyopathy 14. Identifiers: MedGen C2750467, MONDO:0013197, OMIM 613251.

Submission:

Labcorp Genetics (formerly Invitae), Labcorp
Classification: Uncertain significance for Hypertrophic cardiomyopathy 14. Last evaluated: 2018-10-16. Review status: criteria provided, single submitter. Criteria: Invitae Variant Classification Sherloc (09022015). Collection method: clinical testing. Allele origin: germline.
Comment: In summary, the available evidence is currently insufficient to determine the role of this variant in disease. Therefore, it has been classified as a Variant of Uncertain Significance. Algorithms developed to predict the effect of missense changes on protein structure and function are either unavailable or do not agree on the potential impact of this missense change (SIFT: "Tolerated"; PolyPhen-2: "Probably Damaging"; Align-GVGD: "Class C0"). This variant has not been reported in the literature in individuals with MYH6-related disease. This variant is not present in population databases (ExAC no frequency). This sequence change replaces glycine with serine at codon 1059 of the MYH6 protein (p.Gly1059Ser). The glycine residue is weakly conserved and there is a small physicochemical difference between glycine and serine.

NM_002471.4(MYH6):c.3175G>A (p.Gly1059Ser)

Gene: MYH6 (myosin heavy chain 6; minus strand). Cytogenetic location: 14q11.2.
Variant type: single nucleotide variant.
Coding change: c.3175G>A on transcript NM_002471.4 (MANE Select); coding-DNA position 3175, G replaced by A.
Protein change: p.Gly1059Ser; replaces glycine 1059 with serine.
Molecular consequence: missense variant.
Genome position (GRCh38, 1-based): chr14:23,392,988, C>T on the plus strand (G>A on the coding strand, the complement: MYH6 is on the minus strand). VCF-style: chr14-23392988-C-T. GRCh37 (hg19) VCF-style: chr14-23862197-C-T.
Other names: short protein forms G1059S.
Identifiers: ClinVar variation 663389 (VCV000663389.8), dbSNP rs1595055803, ClinGen allele CA389009395.
Genomic context (GRCh38, chr14:23,392,988, plus strand): 5'-CCAGCTGCAGTTTATCATTTTCCAGGTCCATGATGCTCTCCTGGGTCAGCTTCAGGTCGC[C>T]CTCCAGTTTCCGCTTTGCTCGCTCCAGGTCCATGCGCACCTTCTTCTCTTGCTCTAGGGA-3'
Protein context (NP_002462.2, residues 1049-1069): DLERAKRKLE[Gly1059Ser]DLKLTQESIM